The following is an entry in ClinVar:

ClinVar aggregate classification (germline): Uncertain significance. Review status: criteria provided, multiple submitters, no conflicts (2 of 4 stars). 2 submissions from 2 submitters: Uncertain significance (2). Last evaluated 2023-11-01.

Conditions:
CHARGE syndrome (CHARGE). Also called: Hittner Hirsch Kreh syndrome; Coloboma, heart anomaly, choanal atresia, retardation, genital and ear anomalies; CHARGE association; Hall-Hittner syndrome; CHARGE ASSOCIATION--COLOBOMA, HEART ANOMALY, CHOANAL ATRESIA, RETARDATION, GENITAL AND EAR ANOMALIES. Identifiers: Orphanet 138, MedGen C0265354, MONDO:0008965.

gnomAD v4.1: 1 of 1,613,598 alleles (0.000062%); no homozygotes.

Submissions (2):

CeGaT Center for Human Genetics Tuebingen
Classification: Uncertain significance. Last evaluated: 2023-11-01. Review status: criteria provided, single submitter. Criteria: CeGaT Center For Human Genetics Tuebingen Variant Classification Criteria Version 2. Collection method: clinical testing. Allele origin: germline. Affected: yes. Observed: 1 variant allele.
Comment: CHD7: PM2

Labcorp Genetics (formerly Invitae), Labcorp
Classification: Uncertain significance for CHARGE syndrome. Last evaluated: 2020-05-20. Review status: criteria provided, single submitter. Criteria: Invitae Variant Classification Sherloc (09022015). Collection method: clinical testing. Allele origin: germline.
Comment: Algorithms developed to predict the effect of missense changes on protein structure and function (SIFT, PolyPhen-2, Align-GVGD) all suggest that this variant is likely to be disruptive, but these predictions have not been confirmed by published functional studies and their clinical significance is uncertain. In summary, the available evidence is currently insufficient to determine the role of this variant in disease. Therefore, it has been classified as a Variant of Uncertain Significance. This variant has not been reported in the literature in individuals with CHD7-related conditions. This variant is not present in population databases (ExAC no frequency). This sequence change replaces arginine with glycine at codon 2284 of the CHD7 protein (p.Arg2284Gly). The arginine residue is highly conserved and there is a moderate physicochemical difference between arginine and glycine.

NM_017780.4(CHD7):c.6850C>G (p.Arg2284Gly)

Gene: CHD7 (chromodomain helicase DNA binding protein 7; plus strand). Cytogenetic location: 8q12.2.
Variant type: single nucleotide variant.
Coding change: c.6850C>G on transcript NM_017780.4 (MANE Select); coding-DNA position 6850, C replaced by G.
Protein change: p.Arg2284Gly; replaces arginine 2284 with glycine.
Molecular consequence: missense variant. On other transcripts: intron variant (1).
Genome position (GRCh38, 1-based): chr8:60,854,437, C>G. VCF-style: chr8-60854437-C-G. GRCh37 (hg19) VCF-style: chr8-61766996-C-G.
Other names: c.1717-7792C>G (NM_001316690.1); short protein forms R2284G.
Identifiers: ClinVar variation 959431 (VCV000959431.32), dbSNP rs587783454, ClinGen allele CA371294867.
Genomic context (GRCh38, chr8:60,854,437, plus strand): 5'-AGAGGGAAGAATTTTGATGAAGAAAGCAATGCTTCCATGAGCACTGCTAGAGATGAAACC[C>G]GAGATGGATTCTACATGGAGGACGGAGATCCTTCAGTAGCTCAGCTCCTTCATGAAAGAA-3'
Protein context (NP_060250.2, residues 2274-2294): ASMSTARDET[Arg2284Gly]DGFYMEDGDP